The following is an entry in ClinVar:

NM_018648.4(NOP10):c.92A>G (p.His31Arg)

Gene: NOP10 (NOP10 ribonucleoprotein; minus strand). Cytogenetic location: 15q14.
Variant type: single nucleotide variant.
Coding change: c.92A>G on transcript NM_018648.4 (MANE Select); coding-DNA position 92, A replaced by G.
Protein change: p.His31Arg; replaces histidine 31 with arginine.
Molecular consequence: missense variant.
Genome position (GRCh38, 1-based): chr15:34,342,071, T>C on the plus strand (A>G on the coding strand, the complement: NOP10 is on the minus strand). VCF-style: chr15-34342071-T-C. GRCh37 (hg19) VCF-style: chr15-34634272-T-C.
Other names: short protein forms H31R.
Identifiers: ClinVar variation 1059000 (VCV001059000.8), dbSNP rs373843596, ClinGen allele CA391622163.

ClinVar aggregate classification (germline): Uncertain significance (1 of 4 stars; one submission).

Conditions:
Dyskeratosis congenita, autosomal recessive 1. Identifiers: Orphanet 1775, MedGen C1857144, MONDO:0009136, OMIM 224230.

Allele frequency attached by ClinVar (database versions not stated): gnomAD exomes 0.00001.
gnomAD v4.1: 9 of 1,614,026 alleles (0.00056%); highest among the groups gnomAD compares: Non-Finnish European, 0.00068%; no homozygotes.

Submission:

Labcorp Genetics (formerly Invitae), Labcorp
Classification: Uncertain significance for Dyskeratosis congenita, autosomal recessive 1. Last evaluated: 2024-04-22. Review status: criteria provided, single submitter. Criteria: Invitae Variant Classification Sherloc (09022015). Collection method: clinical testing. Allele origin: germline.
Comment: This sequence change replaces histidine, which is basic and polar, with arginine, which is basic and polar, at codon 31 of the NOP10 protein (p.His31Arg). This variant is not present in population databases (gnomAD no frequency). This variant has not been reported in the literature in individuals affected with NOP10-related conditions. ClinVar contains an entry for this variant (Variation ID: 1059000). An algorithm developed to predict the effect of missense changes on protein structure and function (PolyPhen-2) suggests that this variant is likely to be disruptive. In summary, the available evidence is currently insufficient to determine the role of this variant in disease. Therefore, it has been classified as a Variant of Uncertain Significance.